The following is an entry in ClinVar:

ClinVar aggregate classification (germline): Uncertain significance. Review status: criteria provided, multiple submitters, no conflicts (2 of 4 stars). 2 submissions from 2 submitters: Uncertain significance (2). Last evaluated 2025-10-24.

Conditions:
Erythrokeratodermia variabilis et progressiva 1 (EKVP1). Also called: ERYTHROKERATODERMIA FIGURATA, CONGENITAL FAMILIAL, IN PLAQUES; ERYTHROKERATODERMIA VARIABILIS WITH ERYTHEMA GYRATUM REPENS; ERYTHROKERATODERMIA, PROGRESSIVE SYMMETRIC. Identifiers: Orphanet 317, MedGen C4551486, MONDO:0033010, OMIM 133200.

Allele frequency attached by ClinVar (database versions not stated): gnomAD 0.00003 and 0.00006; gnomAD exomes 0.00003 and 0.00006; ExAC 0.00009; 1000 Genomes Project 30x 0.00031; TOPMed 0.00002; 1000 Genomes Project 0.00020.
gnomAD v4.1: 60 of 1,614,226 alleles (0.0037%); highest among the groups gnomAD compares: South Asian, 0.036%; no homozygotes.

Submissions (2):

Dasa
Classification: Uncertain significance for Erythrokeratodermia variabilis et progressiva 1. Last evaluated: 2025-10-24. Review status: criteria provided, single submitter. Criteria: DASA Assertion Criteria. Collection method: clinical testing. Allele origin: germline.
Comment: NM_024009.3(GJB3):c.65G>A (p.Arg22His) is a missense variant that results in the substitution of arginine with histidine. This variant is rare in population databases. Computational prediction algorithms are consistent with a deleterious effect. The currently available literature and clinical evidence are not sufficient to establish a definitive association between this variant and the reported condition. Therefore, this variant is classified as a variant of uncertain significance.

GeneDx
Classification: Uncertain significance. Last evaluated: 2025-09-11. Review status: criteria provided, single submitter. Criteria: GeneDx Variant Classification Process June 2021. Collection method: clinical testing. Allele origin: germline. Affected: yes.
Comment: In silico analysis supports that this missense variant has a deleterious effect on protein structure/function; Has not been previously published as pathogenic or benign to our knowledge

NM_024009.3(GJB3):c.65G>A (p.Arg22His)

Gene: GJB3 (gap junction protein beta 3; plus strand). Cytogenetic location: 1p34.3.
Variant type: single nucleotide variant.
Coding change: c.65G>A on transcript NM_024009.3 (MANE Select); coding-DNA position 65, G replaced by A.
Protein change: p.Arg22His; replaces arginine 22 with histidine.
Molecular consequence: missense variant.
Genome position (GRCh38, 1-based): chr1:34,784,827, G>A. VCF-style: chr1-34784827-G-A. GRCh37 (hg19) VCF-style: chr1-35250428-G-A.
Other names: c.65G>A, p.Arg22His (NM_001005752.2); short protein forms R22H.
Identifiers: ClinVar variation 1308798 (VCV001308798.5), dbSNP rs551762597, ClinGen allele CA754733.